The following is an entry in ClinVar:

NM_022089.4(ATP13A2):c.1295T>C (p.Leu432Pro)

Gene: ATP13A2 (ATPase cation transporting 13A2; minus strand). Cytogenetic location: 1p36.13.
Variant type: single nucleotide variant.
Coding change: c.1295T>C on transcript NM_022089.4 (MANE Select); coding-DNA position 1295, T replaced by C.
Protein change: p.Leu432Pro; replaces leucine 432 with proline.
Molecular consequence: missense variant.
Genome position (GRCh38, 1-based): chr1:16,996,397, A>G on the plus strand (T>C on the coding strand, the complement: ATP13A2 is on the minus strand). VCF-style: chr1-16996397-A-G. GRCh37 (hg19) VCF-style: chr1-17322892-A-G.
Other names: c.1280T>C, p.Leu427Pro (NM_001141973.3, NM_001141974.3); short protein forms L427P, L432P.
Identifiers: ClinVar variation 1355002 (VCV001355002.6), dbSNP rs778964823, ClinGen allele CA637300.

ClinVar aggregate classification (germline): Uncertain significance (1 of 4 stars; one submission).

Conditions:
Kufor-Rakeb syndrome (KRS). Also called: PARKINSON DISEASE 9, AUTOSOMAL RECESSIVE, JUVENILE-ONSET. Identifiers: Orphanet 306674, Orphanet 314632, MedGen C1847640, MONDO:0011706, OMIM 606693.
Autosomal recessive spastic paraplegia type 78. Identifiers: Orphanet 513436, MedGen C5567893, MONDO:0014975, OMIM 617225.

Allele frequency attached by ClinVar (database versions not stated): gnomAD exomes below 0.00001; gnomAD 0.00001; ExAC 0.00002; TOPMed 0.00002.
gnomAD v4.1: 2 of 1,613,948 alleles (0.00012%); highest among the groups gnomAD compares: Admixed American, 0.0017%; no homozygotes.

Submission:

Labcorp Genetics (formerly Invitae), Labcorp
Classification: Uncertain significance for Kufor-Rakeb syndrome; Autosomal recessive spastic paraplegia type 78. Last evaluated: 2021-09-25. Review status: criteria provided, single submitter. Criteria: Invitae Variant Classification Sherloc (09022015). Collection method: clinical testing. Allele origin: germline.
Comment: In summary, the available evidence is currently insufficient to determine the role of this variant in disease. Therefore, it has been classified as a Variant of Uncertain Significance. Advanced modeling of protein sequence and biophysical properties (such as structural, functional, and spatial information, amino acid conservation, physicochemical variation, residue mobility, and thermodynamic stability) performed at Invitae indicates that this missense variant is expected to disrupt ATP13A2 protein function. This variant has not been reported in the literature in individuals affected with ATP13A2-related conditions. This variant is present in population databases (rs778964823, ExAC 0.02%). This sequence change replaces leucine with proline at codon 432 of the ATP13A2 protein (p.Leu432Pro). The leucine residue is highly conserved and there is a moderate physicochemical difference between leucine and proline.